The following is an entry in ClinVar:

ClinVar aggregate classification (germline): Uncertain significance (1 of 4 stars; one submission).

Submission:

Labcorp Genetics (formerly Invitae), Labcorp
Classification: Uncertain significance. Last evaluated: 2021-02-14. Review status: criteria provided, single submitter. Criteria: Invitae Variant Classification Sherloc (09022015). Collection method: clinical testing. Allele origin: germline.
Comment: This variant has not been reported in the literature in individuals with TCF20-related conditions. This variant is not present in population databases (ExAC no frequency). This sequence change replaces histidine with asparagine at codon 135 of the TCF20 protein (p.His135Asn). The histidine residue is moderately conserved and there is a small physicochemical difference between histidine and asparagine. In summary, the available evidence is currently insufficient to determine the role of this variant in disease. Therefore, it has been classified as a Variant of Uncertain Significance. Algorithms developed to predict the effect of missense changes on protein structure and function are either unavailable or do not agree on the potential impact of this missense change (SIFT: "Tolerated"; PolyPhen-2: "Possibly Damaging"; Align-GVGD: "Class C0").

NM_001378418.1(TCF20):c.403C>A (p.His135Asn)

Gene: TCF20 (transcription factor 20; minus strand). Cytogenetic location: 22q13.2.
Variant type: single nucleotide variant.
Coding change: c.403C>A on transcript NM_001378418.1 (MANE Select); coding-DNA position 403, C replaced by A.
Protein change: p.His135Asn; replaces histidine 135 with asparagine.
Molecular consequence: missense variant.
Genome position (GRCh38, 1-based): chr22:42,214,903, G>T on the plus strand (C>A on the coding strand, the complement: TCF20 is on the minus strand). VCF-style: chr22-42214903-G-T. GRCh37 (hg19) VCF-style: chr22-42610909-G-T.
Other names: c.403C>A, p.His135Asn (NM_005650.4, NM_181492.3); short protein forms H135N.
Identifiers: ClinVar variation 1372053 (VCV001372053.8), dbSNP rs940341134, ClinGen allele CA411793085.
Genomic context (GRCh38, chr22:42,214,903, plus strand): 5'-CCTGCTGATAATGTGACACACCGCCAAGGCCAGAGTGCTGTGCTTGAAACTGGCCCACAT[G>T]ACCCTCACTCCCATACTGATTGCCAAAGCTGCTCCCCTGGGGGGGTCCATAGCTCTGCAC-3'
Protein context (NP_001365347.1, residues 125-145): SFGNQYGSEG[His135Asn]VGQFQAQHSG